The following is an entry in ClinVar:

NM_000138.5(FBN1):c.7516G>A (p.Gly2506Ser)

Gene: FBN1 (fibrillin 1; minus strand). Cytogenetic location: 15q21.1.
Variant type: single nucleotide variant.
Coding change: c.7516G>A on transcript NM_000138.5 (MANE Select); coding-DNA position 7516, G replaced by A.
Protein change: p.Gly2506Ser; replaces glycine 2506 with serine.
Molecular consequence: missense variant.
Genome position (GRCh38, 1-based): chr15:48,422,006, C>T on the plus strand (G>A on the coding strand, the complement: FBN1 is on the minus strand). VCF-style: chr15-48422006-C-T. GRCh37 (hg19) VCF-style: chr15-48714203-C-T.
Other names: p.Gly2506Ser; short protein forms G2506S.
Identifiers: ClinVar variation 457262 (VCV000457262.21), dbSNP rs756295016, ClinGen allele CA058726.

ClinVar aggregate classification (germline): Conflicting classifications of pathogenicity. Review status: criteria provided, conflicting classifications (1 of 4 stars). 15 submissions from 9 submitters: Uncertain significance (3); Benign (4); Likely benign (8). Last evaluated 2025-10-31.

Conditions:
Geleophysic dysplasia. Identifiers: Orphanet 2623, MedGen C3489726, MONDO:0000127.
Weill-Marchesani syndrome. Also called: WM Syndrome; Mesodermal dysmorphodystrophy congenital. Identifiers: Orphanet 3449, MedGen C0265313, MONDO:0018096.
Marfan syndrome (MFS). Also called: MARFAN SYNDROME, TYPE I; FBN1-Related Marfan Syndrome; Marfan syndrome type 1; Marfan's syndrome; Marfan syndrome, classic. Identifiers: Orphanet 284963, Orphanet 558, MedGen C0024796, MONDO:0007947, OMIM 154700.
Familial thoracic aortic aneurysm and aortic dissection (TAAD). Also called: Thoracic aortic aneurysms and dissections. Identifiers: Orphanet 91387, MedGen C4707243, MONDO:0019625.
Acromicric dysplasia (ACMICD). Also called: Acromicric skeletal dysplasia. Identifiers: Orphanet 969, MedGen C0265287, MONDO:0007055, OMIM 102370.
Stiff skin syndrome (SSKS). Identifiers: Orphanet 2833, MedGen C1861456, MONDO:0008492, OMIM 184900.
Ectopia lentis 1, isolated, autosomal dominant (ECTOL1). Identifiers: Orphanet 1885, MedGen C3541518, MONDO:0007514, OMIM 129600.

Allele frequency attached by ClinVar (database versions not stated): TOPMed 0.00005; ExAC 0.00007; gnomAD exomes 0.00005 and 0.00003; gnomAD 0.00006.
gnomAD v4.1: 52 of 1,613,932 alleles (0.0032%); highest among the groups gnomAD compares: African/African-American, 0.0053%; no homozygotes.

Submissions (15):

Labcorp Genetics (formerly Invitae), Labcorp
Classification: Likely benign for Marfan syndrome; Familial thoracic aortic aneurysm and aortic dissection. Last evaluated: 2025-10-31. Review status: criteria provided, single submitter. Criteria: Invitae Variant Classification Sherloc (09022015). Collection method: clinical testing. Allele origin: germline.

Women's Health and Genetics/Laboratory Corporation of America, LabCorp
Classification: Likely benign. Last evaluated: 2025-10-20. Review status: criteria provided, single submitter. Criteria: LabCorp Variant Classification Summary - May 2015. Collection method: clinical testing. Allele origin: germline.
Comment: Variant summary: FBN1 c.7516G>A (p.Gly2506Ser) results in a non-conservative amino acid change in the encoded protein sequence. Algorithms developed to predict the effect of missense changes on protein structure and function are either unavailable or do not agree on the potential impact of this missense change. The variant allele was found at a frequency of 3.2e-05 in 1613932 control chromosomes. c.7516G>A has been observed in individual(s) suspected with Marfan syndrome (Baudhuin_2015). These report(s) do not provide unequivocal conclusions about association of the variant with Aortopathy. To our knowledge, no experimental evidence demonstrating an impact on protein function has been reported. The following publication have been ascertained in the context of this evaluation (PMID: 25652356). ClinVar contains an entry for this variant (Variation ID: 457262). Based on the evidence outlined above, the variant was classified as likely benign.

Mayo Clinic Laboratories, Mayo Clinic
Classification: Likely benign. Last evaluated: 2025-06-04. Review status: criteria provided, single submitter. Criteria: ACMG Guidelines, 2015. Collection method: clinical testing. Allele origin: germline. Observed: 1 variant allele.
Comment: BS1, BP4

Color Diagnostics, LLC DBA Color Health
Classification: Likely benign for Familial thoracic aortic aneurysm and aortic dissection. Last evaluated: 2024-09-12. Review status: criteria provided, single submitter. Criteria: ACMG Guidelines, 2015. Collection method: clinical testing. Allele origin: germline.

ARUP Laboratories, Molecular Genetics and Genomics, ARUP Laboratories
Classification: Likely benign. Last evaluated: 2024-05-07. Review status: criteria provided, single submitter. Criteria: ARUP Molecular Germline Variant Investigation Process 2024. Collection method: clinical testing. Allele origin: germline.

All of Us Research Program, National Institutes of Health
Classification: Likely benign for Marfan syndrome. Last evaluated: 2023-10-02. Review status: criteria provided, single submitter. Criteria: ACMG Guidelines, 2015. Collection method: clinical testing. Allele origin: germline. Inheritance: Autosomal dominant inheritance. Observed: 7 variant alleles, 7 heterozygotes.
Comment: This study involves interpretation of variants in research participants for the purpose of population health screening. Participant phenotype was not available at the time of variant classification. Additional details can be found in publication PMID: 35346344, PMCID: PMC8962531

CHEO Genetics Diagnostic Laboratory, Children's Hospital of Eastern Ontario
Classification: Uncertain significance for Familial thoracic aortic aneurysm and aortic dissection. Last evaluated: 2020-05-05. Review status: criteria provided, single submitter. Criteria: ACMG Guidelines, 2015. Collection method: clinical testing. Allele origin: germline.

Ambry Genetics
Classification: Likely benign for Familial thoracic aortic aneurysm and aortic dissection. Last evaluated: 2019-07-15. Review status: criteria provided, single submitter. Criteria: Ambry Variant Classification Scheme 2023. Collection method: clinical testing. Allele origin: germline.

Illumina Laboratory Services, Illumina
Classification: Uncertain significance for Marfan syndrome. Last evaluated: 2017-05-10. Review status: criteria provided, single submitter. Criteria: ICSL Variant Classification Criteria 13 December 2019. Collection method: clinical testing. Allele origin: germline.
Comment: This variant was observed as part of a predisposition screen in an ostensibly healthy population. A literature search was performed for the gene, cDNA change, and amino acid change (where applicable). Publications were found based on this search. However, the evidence from the literature, in combination with allele frequency data from public databases where available, was not sufficient to rule this variant in or out of causing disease. Therefore, this variant is classified as a variant of unknown significance.

Illumina Laboratory Services, Illumina
Classification: Benign for Geleophysic dysplasia. Last evaluated: 2017-05-10. Review status: criteria provided, single submitter. Criteria: ICSL Variant Classification Criteria 13 December 2019. Collection method: clinical testing. Allele origin: germline.
Comment: This variant was observed as part of a predisposition screen in an ostensibly healthy population. A literature search was performed for the gene, cDNA change, and amino acid change (where applicable). No publications were found based on this search. Allele frequency data from public databases was too high to be consistent with this variant causing disease. Therefore, this variant is classified as benign.

Illumina Laboratory Services, Illumina
Classification: Likely benign for Weill-Marchesani syndrome. Last evaluated: 2017-05-10. Review status: criteria provided, single submitter. Criteria: ICSL Variant Classification Criteria 13 December 2019. Collection method: clinical testing. Allele origin: germline.
Comment: This variant was observed as part of a predisposition screen in an ostensibly healthy population. A literature search was performed for the gene, cDNA change, and amino acid change (where applicable). No publications were found based on this search. Allele frequency data from public databases allowed determination this variant is unlikely to cause disease. Therefore, this variant is classified as likely benign.

Illumina Laboratory Services, Illumina
Classification: Benign for Stiff skin syndrome. Last evaluated: 2017-05-10. Review status: criteria provided, single submitter. Criteria: ICSL Variant Classification Criteria 13 December 2019. Collection method: clinical testing. Allele origin: germline.
Comment: the same text as in the submission from Illumina Laboratory Services, Illumina above.

Illumina Laboratory Services, Illumina
Classification: Benign for Ectopia lentis 1, isolated, autosomal dominant. Last evaluated: 2017-05-10. Review status: criteria provided, single submitter. Criteria: ICSL Variant Classification Criteria 13 December 2019. Collection method: clinical testing. Allele origin: germline.
Comment: the same text as in the submission from Illumina Laboratory Services, Illumina above.

Illumina Laboratory Services, Illumina
Classification: Benign for Acromicric dysplasia. Last evaluated: 2017-05-10. Review status: criteria provided, single submitter. Criteria: ICSL Variant Classification Criteria 13 December 2019. Collection method: clinical testing. Allele origin: germline.
Comment: the same text as in the submission from Illumina Laboratory Services, Illumina above.

Illumina Laboratory Services, Illumina
Classification: Uncertain significance for Familial thoracic aortic aneurysm and aortic dissection. Last evaluated: 2017-04-27. Review status: criteria provided, single submitter. Criteria: ICSL Variant Classification Criteria 13 December 2019. Collection method: clinical testing. Allele origin: germline.

Literature cited by the submitters: PubMed 25652356 (cited by 4 submitters); PubMed 37684520 (cited by Mayo Clinic Laboratories, Mayo Clinic).